The following is an entry in ClinVar:

NM_001851.6(COL9A1):c.300-67del

Gene: COL9A1 (collagen type IX alpha 1 chain; minus strand). Cytogenetic location: 6q13.
Variant type: Deletion.
Coding change: c.300-67del on transcript NM_001851.6 (MANE Select); 67 bases into the intron before coding-DNA position 300, one base deleted (G; older notation c.300-67delG).
Molecular consequence: intron variant.
Genome position (GRCh38, 1-based): chr6:70,294,630, C deleted on the plus strand (G on the coding strand, the reverse complement: COL9A1 is on the minus strand); the first of 3 consecutive C bases (chr6:70,294,630-70,294,632); deleting any one gives the same sequence. VCF-style (leftmost placement, unchanged base first): chr6-70294629-TC-T. GRCh37 (hg19) VCF-style: chr6-71004332-TC-T.
Other names: c.300-67del (NM_001377291.1).
Identifiers: ClinVar variation 677877 (VCV000677877.1), dbSNP rs3840415, ClinGen allele CA140824598.

ClinVar aggregate classification (germline): Benign (1 of 4 stars; one submission).

Submission:

GeneDx
Classification: Benign. Last evaluated: 2018-06-14. Review status: criteria provided, single submitter. Criteria: GeneDx Variant Classification (06012015). Collection method: clinical testing. Allele origin: germline. Affected: yes.
Comment: This variant is considered likely benign or benign based on one or more of the following criteria: it is a conservative change, it occurs at a poorly conserved position in the protein, it is predicted to be benign by multiple in silico algorithms, and/or has population frequency not consistent with disease.